The following is an entry in ClinVar:

NM_000059.4(BRCA2):c.4156_4157delinsTG (p.Asp1386Cys)

Gene: BRCA2 (BRCA2 DNA repair associated; plus strand). Cytogenetic location: 13q13.1.
Variant type: Indel.
Coding change: c.4156_4157delinsTG on transcript NM_000059.4 (MANE Select); coding-DNA positions 4156 to 4157, GA replaced by TG.
Protein change: p.Asp1386Cys; replaces aspartic acid 1386 with cysteine.
Molecular consequence: missense variant.
Genome position (GRCh38, 1-based): chr13:32,338,511-32,338,512, GA replaced by TG. VCF-style: chr13-32338511-GA-TG. GRCh37 (hg19) VCF-style: chr13-32912648-GA-TG.
Other names: short protein forms D1386C.
Identifiers: ClinVar variation 933152 (VCV000933152.3), dbSNP rs2072497730, ClinGen allele CA1139663189.

ClinVar aggregate classification (germline): Conflicting classifications of pathogenicity. Review status: criteria provided, conflicting classifications (1 of 4 stars). 2 submissions from 2 submitters: Uncertain significance (1); Likely benign (1). Last evaluated 2023-03-23.

Conditions:
Hereditary cancer-predisposing syndrome. Also called: Neoplastic Syndromes, Hereditary; Hereditary Cancer Syndrome; Hereditary neoplastic syndrome; Tumor predisposition. Identifiers: Orphanet 140162, MedGen C0027672, MeSH D009386, MONDO:0015356.

Submissions (2):

University of Washington Department of Laboratory Medicine, University of Washington
Classification: Likely benign for Hereditary cancer-predisposing syndrome. Last evaluated: 2023-03-23. Review status: criteria provided, single submitter. Criteria: Dines et al. (Genet Med. 2020). Collection method: curation. Allele origin: germline.
Comment: Missense variant in a coldspot region where missense variants are very unlikely to be pathogenic (PMID:31911673).

BRCA2 exon 11 coldspot. Reclassification based on statistical prior probability.

Women's Health and Genetics/Laboratory Corporation of America, LabCorp
Classification: Uncertain significance. Last evaluated: 2020-06-09. Review status: criteria provided, single submitter. Criteria: LabCorp Variant Classification Summary - May 2015. Collection method: clinical testing. Allele origin: germline.
Comment: Variant summary: BRCA2 c.4156_4157delinsTG (p.Asp1386Cys) results in a non-conservative amino acid change in the encoded protein sequence. Two of three in-silico tools predict a benign effect of the variant on protein function. The variant was absent in 239924 control chromosomes. The available data on variant occurrences in the general population are insufficient to allow any conclusion about variant significance. To our knowledge, no occurrence of c.4156_4157delinsTG in individuals affected with Hereditary Breast And Ovarian Cancer Syndrome and no experimental evidence demonstrating its impact on protein function have been reported. No clinical diagnostic laboratories have submitted clinical-significance assessments for this variant to ClinVar after 2014. Based on the evidence outlined above, the variant was classified as uncertain significance.